The following is an entry in ClinVar:

NM_016507.4(CDK12):c.2027C>G (p.Pro676Arg)

Gene: CDK12 (cyclin dependent kinase 12; plus strand). Cytogenetic location: 17q12.
Variant type: single nucleotide variant.
Coding change: c.2027C>G on transcript NM_016507.4 (MANE Select); coding-DNA position 2027, C replaced by G.
Protein change: p.Pro676Arg; replaces proline 676 with arginine.
Molecular consequence: missense variant.
Genome position (GRCh38, 1-based): chr17:39,490,652, C>G. VCF-style: chr17-39490652-C-G. GRCh37 (hg19) VCF-style: chr17-37646905-C-G.
Other names: c.2027C>G, p.Pro676Arg (NM_015083.4); short protein forms P676R.
Identifiers: ClinVar variation 3489328 (VCV003489328.1).
Genomic context (GRCh38, chr17:39,490,652, plus strand): 5'-AAGAGAAGGAACAGAGGACACGTCACTTACTCACAGACCTTCCTCTCCCTCCAGAGCTCC[C>G]TGGTGGAGATCTGTCTCCCCCAGACTCTCCAGAACCAAAGGCAATCACACCACCTCAGCA-3'
Protein context (NP_057591.2, residues 666-686): LTDLPLPPEL[Pro676Arg]GGDLSPPDSP

ClinVar aggregate classification (germline): Uncertain significance (1 of 4 stars; one submission).

gnomAD v4.1: 3 of 1,613,026 alleles (0.00019%); highest among the groups gnomAD compares: Non-Finnish European, 0.00017%; no homozygotes.

Submission:

Ambry Genetics
Classification: Uncertain significance. Last evaluated: 2024-11-30. Review status: criteria provided, single submitter. Criteria: Ambry Variant Classification Scheme 2023. Collection method: clinical testing. Allele origin: germline.
Comment: The p.P676R variant (also known as c.2027C>G), located in coding exon 3 of the CDK12 gene, results from a C to G substitution at nucleotide position 2027. The proline at codon 676 is replaced by arginine, an amino acid with dissimilar properties. This amino acid position is conserved. In addition, the in silico prediction for this alteration is inconclusive. Based on the available evidence, the clinical significance of this variant remains unclear.